The following is an entry in ClinVar:

NM_001267550.2(TTN):c.72020C>T (p.Ala24007Val)

Genes: TTN (titin; minus strand), TTN-AS1 (TTN antisense RNA 1; plus strand). Cytogenetic location: 2q31.2.
Variant type: single nucleotide variant.
Coding change: c.72020C>T on transcript NM_001267550.2 (MANE Select); coding-DNA position 72020, C replaced by T.
Protein change: p.Ala24007Val; replaces alanine 24007 with valine.
Molecular consequence: missense variant.
Genome position (GRCh38, 1-based): chr2:178,574,112, G>A on the plus strand (C>T on the coding strand, the complement: TTN is on the minus strand). VCF-style: chr2-178574112-G-A. GRCh37 (hg19) VCF-style: chr2-179438839-G-A.
Other names: c.67097C>T, p.Ala22366Val (NM_001256850.1); c.44825C>T, p.Ala14942Val (NM_003319.4); c.64316C>T, p.Ala21439Val (NM_133378.4); c.45200C>T, p.Ala15067Val (NM_133432.3); c.45401C>T, p.Ala15134Val (NM_133437.4); short protein forms A14942V, A15067V, A15134V, A21439V, A22366V, A24007V.
Identifiers: ClinVar variation 3026760 (VCV003026760.22), dbSNP rs2468613953, ClinGen allele CA349648934.
Genomic context (GRCh38, chr2:178,574,112, plus strand): 5'-GGTGCCTCAACATCATCCCTGCAAGTGATAGCATCAGATGGCTCAGATGGTGGACTGATG[G>A]CACCTGCAGCATTTTTGGCGATCACACGGAATTCATATGCAGCATCTTCTGTTAGGCCAC-3'
Protein context (NP_001254479.2, residues 23997-24017): FRVIAKNAAG[Ala24007Val]ISPPSEPSDA

ClinVar aggregate classification (germline): Uncertain significance (1 of 4 stars; one submission).

Submission:

CeGaT Center for Human Genetics Tuebingen
Classification: Uncertain significance. Last evaluated: 2023-12-01. Review status: criteria provided, single submitter. Criteria: CeGaT Center For Human Genetics Tuebingen Variant Classification Criteria Version 2. Collection method: clinical testing. Allele origin: germline. Affected: yes. Observed: 1 variant allele.
Comment: TTN: PM2, BP4